The following is an entry in ClinVar:

ClinVar aggregate classification (germline): Likely benign. Review status: criteria provided, multiple submitters, no conflicts (2 of 4 stars). 2 submissions from 2 submitters: Likely benign (2). Last evaluated 2023-12-25.

Allele frequency attached by ClinVar (database versions not stated): gnomAD 0.00002; ExAC 0.00003; gnomAD exomes 0.00004; ESP Exome Variant Server 0.00008.
gnomAD v4.1: 92 of 1,550,474 alleles (0.0059%); highest among the groups gnomAD compares: Non-Finnish European, 0.0077%; no homozygotes.

Submissions (2):

Labcorp Genetics (formerly Invitae), Labcorp
Classification: Likely benign. Last evaluated: 2023-12-25. Review status: criteria provided, single submitter. Criteria: Invitae Variant Classification Sherloc (09022015). Collection method: clinical testing. Allele origin: germline.

GeneDx
Classification: Likely benign. Last evaluated: 2016-12-08. Review status: criteria provided, single submitter. Criteria: GeneDx Variant Classification (06012015). Collection method: clinical testing. Allele origin: germline. Affected: yes.
Comment: This variant is considered likely benign or benign based on one or more of the following criteria: it is a conservative change, it occurs at a poorly conserved position in the protein, it is predicted to be benign by multiple in silico algorithms, and/or has population frequency not consistent with disease.

NM_024407.5(NDUFS7):c.53+20G>C

Gene: NDUFS7 (NADH:ubiquinone oxidoreductase core subunit S7; plus strand). Cytogenetic location: 19p13.3.
Variant type: single nucleotide variant.
Coding change: c.53+20G>C on transcript NM_024407.5 (MANE Select); 20 bases into the intron after coding-DNA position 53, G replaced by C.
Molecular consequence: intron variant.
Genome position (GRCh38, 1-based): chr19:1,387,867, G>C. VCF-style: chr19-1387867-G-C. GRCh37 (hg19) VCF-style: chr19-1387866-G-C.
Other names: c.53+20G>C (NM_001363602.2).
Identifiers: ClinVar variation 378255 (VCV000378255.8), dbSNP rs371108813, ClinGen allele CA9043034.